The following is an entry in ClinVar:

ClinVar aggregate classification (germline): Uncertain significance (1 of 4 stars; one submission).

Allele frequency attached by ClinVar (database versions not stated): gnomAD exomes below 0.00001.

Submission:

GeneDx
Classification: Uncertain significance. Last evaluated: 2024-09-30. Review status: criteria provided, single submitter. Criteria: GeneDx Variant Classification Process June 2021. Collection method: clinical testing. Allele origin: germline.
Comment: Not observed at significant frequency in large population cohorts (gnomAD); In silico analysis supports that this missense variant has a deleterious effect on protein structure/function; Has not been previously published as pathogenic or benign to our knowledge

NM_139318.5(KCNH5):c.1511G>A (p.Arg504Gln)

Gene: KCNH5 (potassium voltage-gated channel subfamily H member 5; minus strand). Cytogenetic location: 14q23.2.
Variant type: single nucleotide variant.
Coding change: c.1511G>A on transcript NM_139318.5 (MANE Select); coding-DNA position 1511, G replaced by A.
Protein change: p.Arg504Gln; replaces arginine 504 with glutamine.
Molecular consequence: missense variant.
Genome position (GRCh38, 1-based): chr14:62,849,711, C>T on the plus strand (G>A on the coding strand, the complement: KCNH5 is on the minus strand). VCF-style: chr14-62849711-C-T. GRCh37 (hg19) VCF-style: chr14-63316429-C-T.
Other names: c.1511G>A, p.Arg504Gln (NM_172375.3); short protein forms R504Q.
Identifiers: ClinVar variation 1800578 (VCV001800578.2), dbSNP rs2502866879, ClinGen allele CA390102328.
Genomic context (GRCh38, chr14:62,849,711, plus strand): 5'-ACCTTTTCTGTATCAATGCCTTTTGACATGGACCATGTTGAGACAATATAATCCATGACT[C>T]GCTCACTAAGGCCTTTTGGGACCTGATAGAGTTTTAGGAAGTCCCGTACATTATTCAGCA-3'
Protein context (NP_647479.2, residues 494-514): LYQVPKGLSE[Arg504Gln]VMDYIVSTWS